The following is an entry in ClinVar:

ClinVar aggregate classification (germline): Pathogenic (1 of 4 stars; one submission).

Submission:

Labcorp Genetics (formerly Invitae), Labcorp
Classification: Pathogenic. Last evaluated: 2024-04-15. Review status: criteria provided, single submitter. Criteria: Invitae Variant Classification Sherloc (09022015). Collection method: clinical testing. Allele origin: germline.
Comment: This sequence change creates a premature translational stop signal (p.Ser118*) in the RASGRP1 gene. It is expected to result in an absent or disrupted protein product. Loss-of-function variants in RASGRP1 are known to be pathogenic (PMID: 11017103, 27776107, 28822832). This variant is not present in population databases (gnomAD no frequency). This variant has not been reported in the literature in individuals affected with RASGRP1-related conditions. Algorithms developed to predict the effect of sequence changes on RNA splicing suggest that this variant may disrupt the consensus splice site. For these reasons, this variant has been classified as Pathogenic.

Literature cited by the submitters: PubMed 11017103; PubMed 27776107; PubMed 28822832.

NM_005739.4(RASGRP1):c.353C>A (p.Ser118Ter)

Gene: RASGRP1 (RAS guanyl releasing protein 1; minus strand). Cytogenetic location: 15q14.
Variant type: single nucleotide variant.
Coding change: c.353C>A on transcript NM_005739.4 (MANE Select); coding-DNA position 353, C replaced by A.
Protein change: p.Ser118Ter; replaces serine 118 with a stop codon.
Molecular consequence: nonsense.
Genome position (GRCh38, 1-based): chr15:38,519,345, G>T on the plus strand (C>A on the coding strand, the complement: RASGRP1 is on the minus strand). VCF-style: chr15-38519345-G-T. GRCh37 (hg19) VCF-style: chr15-38811546-G-T.
Other names: c.353C>A, p.Ser118Ter (NM_001128602.2, NM_001306086.2); short protein forms S118*.
Identifiers: ClinVar variation 3649933 (VCV003649933.2).